The following is an entry in ClinVar:

ClinVar aggregate classification (germline): Uncertain significance (1 of 4 stars; one submission).

Submission:

Ambry Genetics
Classification: Uncertain significance. Last evaluated: 2026-04-19. Review status: criteria provided, single submitter. Criteria: Ambry Variant Classification Scheme 2023. Collection method: clinical testing. Allele origin: germline.
Comment: The p.C1359R variant (also known as c.4075T>C), located in coding exon 37 of the KIF1B gene, results from a T to C substitution at nucleotide position 4075. The cysteine at codon 1359 is replaced by arginine, an amino acid with highly dissimilar properties. This amino acid position is conserved. In addition, this alteration is predicted to be deleterious by in silico analysis. Based on the available evidence, the clinical significance of this variant remains unclear.

NM_001365951.3(KIF1B):c.4213T>C (p.Cys1405Arg)

Gene: KIF1B (kinesin family member 1B; plus strand). Cytogenetic location: 1p36.22.
Variant type: single nucleotide variant.
Coding change: c.4213T>C on transcript NM_001365951.3 (MANE Select); coding-DNA position 4213, T replaced by C.
Protein change: p.Cys1405Arg; replaces cysteine 1405 with arginine.
Molecular consequence: missense variant.
Genome position (GRCh38, 1-based): chr1:10,361,734, T>C. VCF-style: chr1-10361734-T-C. GRCh37 (hg19) VCF-style: chr1-10421792-T-C.
Other names: c.4075T>C, p.Cys1359Arg (NM_015074.3); c.4213T>C, p.Cys1405Arg (NM_001365952.1); short protein forms C1359R, C1405R.
Identifiers: ClinVar variation 4858841 (VCV004858841.1).